The following is an entry in ClinVar:

NM_020041.3(SLC2A9):c.883G>A (p.Val295Met)

Gene: SLC2A9 (solute carrier family 2 member 9; minus strand). Cytogenetic location: 4p16.1.
Variant type: single nucleotide variant.
Coding change: c.883G>A on transcript NM_020041.3 (MANE Select); coding-DNA position 883, G replaced by A.
Protein change: p.Val295Met; replaces valine 295 with methionine.
Molecular consequence: missense variant.
Genome position (GRCh38, 1-based): chr4:9,920,504, C>T on the plus strand (G>A on the coding strand, the complement: SLC2A9 is on the minus strand). VCF-style: chr4-9920504-C-T. GRCh37 (hg19) VCF-style: chr4-9922128-C-T.
Other names: c.796G>A, p.Val266Met (NM_001001290.2); short protein forms V295M, V266M.
Identifiers: ClinVar variation 350212 (VCV000350212.10), dbSNP rs75088806, ClinGen allele CA2857049.

ClinVar aggregate classification (germline): Benign/Likely benign. Review status: criteria provided, multiple submitters, no conflicts (2 of 4 stars). 3 submissions from 3 submitters: Benign (1); Likely benign (2). Last evaluated 2025-10-08.

Conditions:
Hypouricemia, renal, 2. Also called: HYPOURICEMIA, RENAL, 2, AUTOSOMAL DOMINANT; HYPOURICEMIA, RENAL, 2, AUTOSOMAL RECESSIVE. Identifiers: MedGen C2677549, MONDO:0012793, OMIM 612076.
SLC2A9-related disorder. Also called: SLC2A9-related condition.

Allele frequency attached by ClinVar (database versions not stated): 1000 Genomes Project 0.00200; 1000 Genomes Project 30x 0.00250; gnomAD 0.00250 and 0.00272; TOPMed 0.00269; ESP Exome Variant Server 0.00284.

Submissions (3):

PreventionGenetics, part of Exact Sciences
Classification: Likely benign for SLC2A9-related condition. Last evaluated: 2025-10-08. Review status: criteria provided, single submitter. Criteria: ACMG Guidelines, 2015. Collection method: clinical testing. Allele origin: germline.
Comment: This variant is classified as likely benign based on ACMG/AMP sequence variant interpretation guidelines (Richards et al. 2015 PMID: 25741868, with internal and published modifications).

Labcorp Genetics (formerly Invitae), Labcorp
Classification: Likely benign. Last evaluated: 2025-10-02. Review status: criteria provided, single submitter. Criteria: Invitae Variant Classification Sherloc (09022015). Collection method: clinical testing. Allele origin: germline.

Illumina Laboratory Services, Illumina
Classification: Benign for Hypouricemia, renal, 2. Last evaluated: 2018-01-13. Review status: criteria provided, single submitter. Criteria: ICSL Variant Classification Criteria 13 December 2019. Collection method: clinical testing. Allele origin: germline.
Comment: This variant was observed in the ICSL laboratory as part of a predisposition screen in an ostensibly healthy population. It had not been previously curated by ICSL or reported in the Human Gene Mutation Database (HGMD: prior to June 1st, 2018), and was therefore a candidate for classification through an automated scoring system. Utilizing variant allele frequency, disease prevalence and penetrance estimates, and inheritance mode, an automated score was calculated to assess if this variant is too frequent to cause the disease. Based on the score and internal cut-off values, a variant classified as benign is not then subjected to further curation. The score for this variant resulted in a classification of benign for this disease.